The following is an entry in ClinVar:

ClinVar aggregate classification (germline): Conflicting classifications of pathogenicity. Review status: criteria provided, conflicting classifications (1 of 4 stars). 2 submissions from 2 submitters: Uncertain significance (1); Likely benign (1). Last evaluated 2025-03-03.

Conditions:
Hepatic veno-occlusive disease-immunodeficiency syndrome. Also called: Hepatic Veno-Occlusive Disease with Immunodeficiency. Identifiers: Orphanet 79124, MedGen C1856128, MONDO:0009338, OMIM 235550. Disease mechanism: loss of function.
Inborn genetic diseases. Identifiers: MedGen C0950123, MeSH D030342.

Allele frequency attached by ClinVar (database versions not stated): TOPMed below 0.00001; 1000 Genomes Project 30x 0.00016.
gnomAD v4.1: 38 of 1,613,826 alleles (0.0024%); highest among the groups gnomAD compares: Middle Eastern, 0.033%; no homozygotes.

Submissions (2):

Ambry Genetics
Classification: Likely benign for Inborn genetic diseases. Last evaluated: 2025-03-03. Review status: criteria provided, single submitter. Criteria: Ambry Variant Classification Scheme 2023. Collection method: clinical testing. Allele origin: germline.

Labcorp Genetics (formerly Invitae), Labcorp
Classification: Uncertain significance for Hepatic veno-occlusive disease-immunodeficiency syndrome. Last evaluated: 2023-11-27. Review status: criteria provided, single submitter. Criteria: Invitae Variant Classification Sherloc (09022015). Collection method: clinical testing. Allele origin: germline.
Comment: This sequence change replaces histidine, which is basic and polar, with leucine, which is neutral and non-polar, at codon 589 of the SP110 protein (p.His589Leu). This variant is present in population databases (rs201886262, gnomAD 0.03%). This variant has not been reported in the literature in individuals affected with SP110-related conditions. ClinVar contains an entry for this variant (Variation ID: 841337). Algorithms developed to predict the effect of missense changes on protein structure and function output the following: SIFT: "Not Available"; PolyPhen-2: "Benign"; Align-GVGD: "Not Available". The leucine amino acid residue is found in multiple mammalian species, which suggests that this missense change does not adversely affect protein function. In summary, the available evidence is currently insufficient to determine the role of this variant in disease. Therefore, it has been classified as a Variant of Uncertain Significance.

NM_080424.4(SP110):c.1766A>T (p.His589Leu)

Gene: SP110 (SP110 nuclear body protein; minus strand). Cytogenetic location: 2q37.1.
Variant type: single nucleotide variant.
Coding change: c.1766A>T on transcript NM_080424.4 (MANE Select); coding-DNA position 1766, A replaced by T.
Protein change: p.His589Leu; replaces histidine 589 with leucine.
Molecular consequence: missense variant.
Genome position (GRCh38, 1-based): chr2:230,172,115, T>A on the plus strand (A>T on the coding strand, the complement: SP110 is on the minus strand). VCF-style: chr2-230172115-T-A. GRCh37 (hg19) VCF-style: chr2-231036831-T-A.
Other names: c.1784A>T, p.His595Leu (NM_001378442.1, NM_001378444.1, NM_001378445.1 and 1 more transcripts); c.1766A>T, p.His589Leu (NM_001378443.1, NM_004509.5); short protein forms H589L, H595L.
Identifiers: ClinVar variation 841337 (VCV000841337.7), dbSNP rs201886262, ClinGen allele CA2154357.